The following is an entry in ClinVar:

NM_001127649.3(PEX26):c.169A>G (p.Thr57Ala)

Gene: PEX26 (peroxisomal biogenesis factor 26; plus strand). Cytogenetic location: 22q11.21.
Variant type: single nucleotide variant.
Coding change: c.169A>G on transcript NM_001127649.3 (MANE Select); coding-DNA position 169, A replaced by G.
Protein change: p.Thr57Ala; replaces threonine 57 with alanine.
Molecular consequence: missense variant.
Genome position (GRCh38, 1-based): chr22:18,078,545, A>G. VCF-style: chr22-18078545-A-G. GRCh37 (hg19) VCF-style: chr22-18561311-A-G.
Other names: c.169A>G, p.Thr57Ala (NM_001199319.2, NM_017929.6); short protein forms T57A.
Identifiers: ClinVar variation 957524 (VCV000957524.7), dbSNP rs769260247, ClinGen allele CA10093236.

ClinVar aggregate classification (germline): Uncertain significance (1 of 4 stars; one submission).

Conditions:
Peroxisome biogenesis disorder 7A (Zellweger). Also called: Peroxisome biogenesis disorder 7A. Identifiers: Orphanet 912, MedGen C3888385, MONDO:0013938, OMIM 614872.
Peroxisome biogenesis disorder 7B (PBD7B). Identifiers: Orphanet 44, MedGen C3553951, MONDO:0013939, OMIM 614873.

Allele frequency attached by ClinVar (database versions not stated): ExAC below 0.00001; gnomAD 0.00001; gnomAD exomes 0.00001 and 0.00002; TOPMed 0.00002.

Submission:

Labcorp Genetics (formerly Invitae), Labcorp
Classification: Uncertain significance for Peroxisome biogenesis disorder 7A (Zellweger); Peroxisome biogenesis disorder 7B. Last evaluated: 2022-08-09. Review status: criteria provided, single submitter. Criteria: Invitae Variant Classification Sherloc (09022015). Collection method: clinical testing. Allele origin: germline.
Comment: This sequence change replaces threonine, which is neutral and polar, with alanine, which is neutral and non-polar, at codon 57 of the PEX26 protein (p.Thr57Ala). This variant is present in population databases (rs769260247, gnomAD 0.002%). This variant has not been reported in the literature in individuals affected with PEX26-related conditions. ClinVar contains an entry for this variant (Variation ID: 957524). Algorithms developed to predict the effect of missense changes on protein structure and function output the following: SIFT: "Deleterious"; PolyPhen-2: "Possibly Damaging"; Align-GVGD: "Class C55". The alanine amino acid residue is found in multiple mammalian species, which suggests that this missense change does not adversely affect protein function. In summary, the available evidence is currently insufficient to determine the role of this variant in disease. Therefore, it has been classified as a Variant of Uncertain Significance.